The following is an entry in ClinVar:

ClinVar aggregate classification (germline): Uncertain significance (1 of 4 stars; one submission).

Conditions:
DICER1-related tumor predisposition. Also called: DICER1-related pleuropulmonary blastoma cancer predisposition syndrome; DICER1 syndrome. Identifiers: Orphanet 284343, MedGen C3839822, MONDO:0100216.

Submission:

Labcorp Genetics (formerly Invitae), Labcorp
Classification: Uncertain significance for DICER1-related tumor predisposition. Last evaluated: 2024-06-22. Review status: criteria provided, single submitter. Criteria: Invitae Variant Classification Sherloc (09022015). Collection method: clinical testing. Allele origin: germline.
Comment: This sequence change replaces leucine, which is neutral and non-polar, with proline, which is neutral and non-polar, at codon 329 of the DICER1 protein (p.Leu329Pro). This variant is not present in population databases (gnomAD no frequency). This variant has not been reported in the literature in individuals affected with DICER1-related conditions. Advanced modeling of protein sequence and biophysical properties (such as structural, functional, and spatial information, amino acid conservation, physicochemical variation, residue mobility, and thermodynamic stability) performed at Invitae indicates that this missense variant is expected to disrupt DICER1 protein function with a positive predictive value of 80%. In summary, the available evidence is currently insufficient to determine the role of this variant in disease. Therefore, it has been classified as a Variant of Uncertain Significance.

NM_177438.3(DICER1):c.986T>C (p.Leu329Pro)

Gene: DICER1 (dicer 1, ribonuclease III; minus strand). Cytogenetic location: 14q32.13.
Variant type: single nucleotide variant.
Coding change: c.986T>C on transcript NM_177438.3 (MANE Select); coding-DNA position 986, T replaced by C.
Protein change: p.Leu329Pro; replaces leucine 329 with proline.
Molecular consequence: missense variant. On other transcripts: 5 prime UTR variant (1), non-coding transcript variant (6).
Genome position (GRCh38, 1-based): chr14:95,124,586, A>G on the plus strand (T>C on the coding strand, the complement: DICER1 is on the minus strand). VCF-style: chr14-95124586-A-G. GRCh37 (hg19) VCF-style: chr14-95590923-A-G.
Other names: c.986T>C, p.Leu329Pro (NM_001195573.1, NM_001271282.3, NM_001291628.2 and 14 more transcripts); c.704T>C, p.Leu235Pro (NM_001395686.1); c.581T>C, p.Leu194Pro (NM_001395687.1, NM_001395688.1, NM_001395689.1 and 3 more transcripts); c.419T>C, p.Leu140Pro (NM_001395691.1); c.-583T>C (NM_001395697.1); short protein forms L140P, L329P, L235P, L194P.
Identifiers: ClinVar variation 3657371 (VCV003657371.2).